The following is an entry in ClinVar:

NM_006914.4(RORB):c.195C>A (p.Cys65Ter)

Gene: RORB (RAR related orphan receptor B; plus strand). Cytogenetic location: 9q21.13.
Variant type: single nucleotide variant.
Coding change: c.195C>A on transcript NM_006914.4 (MANE Select); coding-DNA position 195, C replaced by A.
Protein change: p.Cys65Ter; replaces cysteine 65 with a stop codon.
Molecular consequence: nonsense.
Genome position (GRCh38, 1-based): chr9:74,634,732, C>A. VCF-style: chr9-74634732-C-A. GRCh37 (hg19) VCF-style: chr9-77249648-C-A.
Other names: c.228C>A, p.Cys76Ter (NM_001365023.1); short protein forms C65*, C76*.
Identifiers: ClinVar variation 1700961 (VCV001700961.4), dbSNP rs2118433369, ClinGen allele CA373772318.
Genomic context (GRCh38, chr9:74,634,732, plus strand): 5'-CTGCCCAAGGCAGAGAAACTGTTTAATTGACAGAACGAACAGAAACCGTTGCCAACACTG[C>A]CGACTGCAGAAGTGTCTTGCCCTAGGAATGTCAAGAGATGGTAAGACATTACCTTCCTGT-3'

ClinVar aggregate classification (germline): Likely pathogenic (1 of 4 stars; one submission).

Submission:

GeneDx
Classification: Likely pathogenic. Last evaluated: 2024-06-28. Review status: criteria provided, single submitter. Criteria: GeneDx Variant Classification Process June 2021. Collection method: clinical testing. Allele origin: germline. Affected: yes.
Comment: Nonsense variant predicted to result in protein truncation or nonsense mediated decay in a gene for which loss of function is a known mechanism of disease; Not observed at significant frequency in large population cohorts (gnomAD); Has not been previously published as pathogenic or benign to our knowledge